The following is an entry in ClinVar:

NM_018979.4(WNK1):c.49T>C (p.Phe17Leu)

Gene: WNK1 (WNK lysine deficient protein kinase 1; plus strand). Cytogenetic location: 12p13.33.
Variant type: single nucleotide variant.
Coding change: c.49T>C on transcript NM_018979.4 (MANE Select); coding-DNA position 49, T replaced by C.
Protein change: p.Phe17Leu; replaces phenylalanine 17 with leucine.
Molecular consequence: missense variant.
Genome position (GRCh38, 1-based): chr12:753,614, T>C. VCF-style: chr12-753614-T-C. GRCh37 (hg19) VCF-style: chr12-862780-T-C.
Other names: c.49T>C, p.Phe17Leu (NM_001184985.2, NM_014823.3, NM_213655.5); short protein forms F17L.
Identifiers: ClinVar variation 1394260 (VCV001394260.6), dbSNP rs2120992603, ClinGen allele CA383303458.

ClinVar aggregate classification (germline): Uncertain significance (1 of 4 stars; one submission).

Conditions:
Neuropathy, hereditary sensory and autonomic, type 2A (HSAN2A). Also called: ACROOSTEOLYSIS, GIACCAI TYPE; ACROOSTEOLYSIS, NEUROGENIC; MORVAN DISEASE; NEUROPATHY, CONGENITAL SENSORY; NEUROPATHY, HEREDITARY SENSORY RADICULAR, AUTOSOMAL RECESSIVE; NEUROPATHY, HEREDITARY SENSORY, TYPE IIA. Identifiers: Orphanet 970, MedGen C2752089, MONDO:0024309, OMIM 201300.
Pseudohypoaldosteronism type 2C (PHA2C). Also called: Pseudohypoaldosteronism Type IIC. Identifiers: Orphanet 757, Orphanet 88940, MedGen C1840391, MONDO:0013778, OMIM 614492.

Allele frequency attached by ClinVar (database versions not stated): gnomAD exomes below 0.00001.
gnomAD v4.1: 1 of 1,612,700 alleles (0.000062%); highest among the groups gnomAD compares: Non-Finnish European, 0.000085%; no homozygotes.

Submission:

Labcorp Genetics (formerly Invitae), Labcorp
Classification: Uncertain significance for Neuropathy, hereditary sensory and autonomic, type 2A; Pseudohypoaldosteronism type 2C. Last evaluated: 2022-06-28. Review status: criteria provided, single submitter. Criteria: Invitae Variant Classification Sherloc (09022015). Collection method: clinical testing. Allele origin: germline.
Comment: This sequence change replaces phenylalanine, which is neutral and non-polar, with leucine, which is neutral and non-polar, at codon 17 of the WNK1 protein (p.Phe17Leu). In summary, the available evidence is currently insufficient to determine the role of this variant in disease. Therefore, it has been classified as a Variant of Uncertain Significance. Advanced modeling of protein sequence and biophysical properties (such as structural, functional, and spatial information, amino acid conservation, physicochemical variation, residue mobility, and thermodynamic stability) performed at Invitae indicates that this missense variant is not expected to disrupt WNK1 protein function. This variant has not been reported in the literature in individuals affected with WNK1-related conditions. This variant is not present in population databases (gnomAD no frequency).